The following is an entry in ClinVar:

ClinVar aggregate classification (germline): Uncertain significance. Review status: criteria provided, multiple submitters, no conflicts (2 of 4 stars). 2 submissions from 2 submitters: Uncertain significance (2). Last evaluated 2024-06-06.

Conditions:
Aortic aneurysm, familial thoracic 4 (AAT4). Also called: AORTIC ANEURYSM/AORTIC DISSECTION AND PATENT DUCTUS ARTERIOSUS. Identifiers: MedGen C1851504, MONDO:0007568, OMIM 132900.
Familial thoracic aortic aneurysm and aortic dissection (TAAD). Also called: Thoracic aortic aneurysms and dissections. Identifiers: Orphanet 91387, MedGen C4707243, MONDO:0019625.

gnomAD v4.1: 3 of 1,614,068 alleles (0.00019%); highest among the groups gnomAD compares: African/African-American, 0.004%; no homozygotes.

Submissions (2):

Labcorp Genetics (formerly Invitae), Labcorp
Classification: Uncertain significance for Aortic aneurysm, familial thoracic 4. Last evaluated: 2024-06-06. Review status: criteria provided, single submitter. Criteria: Invitae Variant Classification Sherloc (09022015). Collection method: clinical testing. Allele origin: germline.
Comment: This sequence change replaces serine, which is neutral and polar, with phenylalanine, which is neutral and non-polar, at codon 1471 of the MYH11 protein (p.Ser1471Phe). This variant is not present in population databases (gnomAD no frequency). This variant has not been reported in the literature in individuals affected with MYH11-related conditions. An algorithm developed to predict the effect of missense changes on protein structure and function (PolyPhen-2) suggests that this variant is likely to be disruptive. In summary, the available evidence is currently insufficient to determine the role of this variant in disease. Therefore, it has been classified as a Variant of Uncertain Significance.

All of Us Research Program, National Institutes of Health
Classification: Uncertain significance for Familial thoracic aortic aneurysm and aortic dissection. Last evaluated: 2024-04-10. Review status: criteria provided, single submitter. Criteria: ACMG Guidelines, 2015. Collection method: clinical testing. Allele origin: germline. Inheritance: Autosomal dominant inheritance. Observed: 1 variant allele, 1 heterozygote.
Comment: This study involves interpretation of variants in research participants for the purpose of population health screening. Participant phenotype was not available at the time of variant classification. Additional details can be found in publication PMID: 35346344, PMCID: PMC8962531

NM_002474.3(MYH11):c.4391C>T (p.Ser1464Phe)

Genes: NDE1 (nudE neurodevelopment protein 1; plus strand), MYH11 (myosin heavy chain 11; minus strand). Cytogenetic location: 16p13.11.
Variant type: single nucleotide variant.
Coding change: c.4391C>T on transcript NM_002474.3 (MANE Select); coding-DNA position 4391, C replaced by T.
Protein change: p.Ser1464Phe; replaces serine 1464 with phenylalanine.
Molecular consequence: missense variant. On other transcripts: intron variant (2).
Genome position (GRCh38, 1-based): chr16:15,721,609, G>A on the plus strand (C>T on the coding strand, the complement: MYH11 is on the minus strand). VCF-style: chr16-15721609-G-A. GRCh37 (hg19) VCF-style: chr16-15815466-G-A.
Other names: c.4412C>T, p.Ser1471Phe (NM_001040113.2, NM_001040114.2); c.4391C>T, p.Ser1464Phe (NM_022844.3); c.948-2582G>A (NM_001143979.2, NM_017668.3); short protein forms S1464F, S1471F.
Identifiers: ClinVar variation 3387180 (VCV003387180.3).